The following is an entry in ClinVar:

NM_001002294.3(FMO3):c.1474C>T (p.Arg492Trp)

Gene: FMO3 (flavin containing dimethylaniline monoxygenase 3; plus strand). Cytogenetic location: 1q24.3.
Variant type: single nucleotide variant.
Coding change: c.1474C>T on transcript NM_001002294.3 (MANE Select); coding-DNA position 1474, C replaced by T.
Protein change: p.Arg492Trp; replaces arginine 492 with tryptophan.
Molecular consequence: missense variant.
Genome position (GRCh38, 1-based): chr1:171,117,317, C>T. VCF-style: chr1-171117317-C-T. GRCh37 (hg19) VCF-style: chr1-171086457-C-T.
Other names: c.1414C>T, p.Arg472Trp (NM_001319173.2); c.1285C>T, p.Arg429Trp (NM_001319174.2); c.1474C>T, p.Arg492Trp (NM_006894.6); short protein forms R492W, R472W, R429W.
Identifiers: ClinVar variation 16309 (VCV000016309.16), dbSNP rs72549334, ClinGen allele CA257484.
Genomic context (GRCh38, chr1:171,117,317, plus strand): 5'-AGGCTGGTGGGCCCAGGGCAGTGGCCAGGAGCCAGAAATGCCATACTGACCCAGTGGGAC[C>T]GGTCGTTGAAACCCATGCAGACACGAGTGGTCGGGAGACTTCAGAAGCCTTGCTTCTTTT-3'
Protein context (NP_001002294.1, residues 482-502): ARNAILTQWD[Arg492Trp]SLKPMQTRVV

ClinVar aggregate classification (germline): Conflicting classifications of pathogenicity. Review status: criteria provided, conflicting classifications (1 of 4 stars). 9 submissions from 9 submitters: Pathogenic (3); Likely pathogenic (4); Uncertain significance (1). 1 of the submissions does not count toward it. Last evaluated 2026-07-21.

Conditions:
FMO3-related disorder. Also called: FMO3-related condition.
FMO3-related disorders.
Trimethylaminuria (TMAU). Also called: Primary Trimethylaminuria; Fish malodor syndrome; Stale fish syndrome; TMAuria; FISH-ODOR SYNDROME. Identifiers: MedGen C0342739, MONDO:0011182, OMIM 602079, HP:0003614. Disease mechanism: loss of function.

Allele frequency attached by ClinVar (database versions not stated): ExAC 0.00012; gnomAD exomes 0.00012; TOPMed 0.00016; gnomAD 0.00017 and 0.00019.
gnomAD v4.1: 453 of 1,613,882 alleles (0.028%); highest among the groups gnomAD compares: Non-Finnish European, 0.036%; 1 homozygote.

Submissions (9):

Myriad Genetics, Inc.
Classification: Uncertain significance for Trimethylaminuria. Last evaluated: 2026-07-21. Review status: criteria provided, single submitter. Criteria: Myriad Autosomal Dominant, Autosomal Recessive and X-Linked Classification Criteria (2023). Collection method: clinical testing. Allele origin: unknown.
Comment: NM_001002294.2(FMO3):c.1474C>T(R492W) is a missense variant classified as a variant of uncertain significance in the context of primary trimethylaminuria. R492W has been observed in cases with relevant disease (PMID: 10479479, 34834137, 10338091, 12678693, 11191884, 33831674, 39765628). Relevant functional assessments of this variant are not available in the literature. R492W has been observed in referenced population frequency databases. In summary, there is insufficient evidence to classify NM_001002294.2(FMO3):c.1474C>T(R492W) as pathogenic or benign. Please note: this variant was assessed in the context of healthy population screening.

Women's Health and Genetics/Laboratory Corporation of America, LabCorp
Classification: Pathogenic for Trimethylaminuria. Last evaluated: 2026-05-19. Review status: criteria provided, single submitter. Criteria: LabCorp Variant Classification Summary - May 2015. Collection method: clinical testing. Allele origin: germline.
Comment: Variant summary: FMO3 c.1474C>T (p.Arg492Trp) results in a non-conservative amino acid change in the encoded protein sequence. Algorithms developed to predict the effect of missense changes on protein structure and function all suggest that this variant is likely to be disruptive. The variant allele was found at a frequency of 0.00012 in 251000 control chromosomes. This frequency is not significantly higher than estimated for disease-causing variants in FMO3, allowing no conclusion about variant significance. c.1474C>T has been observed in individuals affected with Trimethylaminuria (e.g. Akerman_1999a, Akerman_1999b, Dolphin_2000, Cashman_2003). These data indicate that the variant is likely to be associated with disease. At least two publications report experimental evidence evaluating an impact on protein function. The most pronounced variant effect resulted in <10% of normal activity (Dolphin_2000, Yeung_2007). The following publications have been ascertained in the context of this evaluation (PMID: 10338091, 10479479, 34834137, 12678693, 11191884, 17531949). ClinVar contains an entry for this variant (Variation ID: 16309). Based on the evidence outlined above, the variant was classified as pathogenic.

PreventionGenetics, part of Exact Sciences
Classification: Likely pathogenic for FMO3-related condition. Last evaluated: 2026-05-03. Review status: criteria provided, single submitter. Criteria: ACMG Guidelines, 2015. Collection method: clinical testing. Allele origin: germline.
Comment: The FMO3 c.1474C>T variant is predicted to result in the amino acid substitution p.Arg492Trp. This variant has been reported in the compound heterozygous state in two individuals with trimethylaminuria (Akerman et al. 1999. PubMed ID: 10338091; Dolphin et al. 2000. PubMed ID: 11191884). Functional studies suggest that this variant alters normal protein function (Dolphin et al. 2000. PubMed ID: 11191884; Yeung et al. 2007. PubMed ID: 17531949). This variant is reported in 0.020% of alleles in individuals of European (Non-Finnish) descent in gnomAD. This variant is interpreted as likely pathogenic.

Labcorp Genetics (formerly Invitae), Labcorp
Classification: Pathogenic. Last evaluated: 2026-01-12. Review status: criteria provided, single submitter. Criteria: Invitae Variant Classification Sherloc (09022015). Collection method: clinical testing. Allele origin: germline.
Comment: This sequence change replaces arginine, which is basic and polar, with tryptophan, which is neutral and slightly polar, at codon 492 of the FMO3 protein (p.Arg492Trp). This variant is present in population databases (rs72549334, gnomAD 0.02%). This missense change has been observed in individual(s) with trimethylaminuria (PMID: 10338091, 10479479, 11191884, 12678693, 34834137). ClinVar contains an entry for this variant (Variation ID: 16309). Invitae Evidence Modeling of protein sequence and biophysical properties (such as structural, functional, and spatial information, amino acid conservation, physicochemical variation, residue mobility, and thermodynamic stability) indicates that this missense variant is expected to disrupt FMO3 protein function with a positive predictive value of 95%. Experimental studies have shown that this missense change affects FMO3 function (PMID: 11191884, 17531949). For these reasons, this variant has been classified as Pathogenic.

Blueprint Genetics
Classification: Pathogenic for FMO3-related disorders. Last evaluated: 2024-09-25. Review status: criteria provided, single submitter. Criteria: ACMG Guidelines, 2015. Collection method: clinical testing. Allele origin: germline. Affected: yes. Observed: 5 variant alleles.

Fulgent Genetics
Classification: Likely pathogenic for Trimethylaminuria. Last evaluated: 2024-04-12. Review status: criteria provided, single submitter. Criteria: ACMG Guidelines, 2015. Collection method: clinical testing. Allele origin: germline.

Revvity Omics, Revvity
Classification: Likely pathogenic for Trimethylaminuria. Last evaluated: 2020-09-04. Review status: criteria provided, single submitter. Criteria: ACMG Guidelines, 2015. Collection method: clinical testing. Allele origin: germline.

Illumina Laboratory Services, Illumina
Classification: Likely pathogenic for Trimethylaminuria. Last evaluated: 2017-04-27. Review status: criteria provided, single submitter. Criteria: ICSL Variant Classification Criteria 09 May 2019. Collection method: clinical testing. Allele origin: germline.
Comment: The FMO3 c.1474C>T (p.Arg492Trp) missense variant has been reported in two studies in which it is found in a total of two individuals with trimethylaminuria, both in a compound heterozygous state with a second missense variant (Akerman et al. 1999; Dolphin et al. 2000). The p.Arg492Trp variant was absent from 180 controls and is reported at a frequency of 0.00047 in the European American population of the Exome Sequencing Project. The variant is noted to involve a hypermutable CpG site and is a non-conserved change in a highly conserved region of the FMO3 gene (Akerman et al. 1999). Functional studies indicated that the p.Arg492Trp variant severely attenuated the normal capacity of the enzyme to catalyze TMA N-oxidation, and that the variant protein was incapable of catalyzing the S-oxidation of methimazole (Dolphin et al. 2000). Additional functional studies by Yeung et al. (2007) found that the p.Arg492Trp variant was well expressed but failed to retain the FAD cofactor. The p.Arg492Trp variant protein showed no detectable kinetic activity on several substrates. Based on the evidence, the p.Arg492Trp variant is classified as likely pathogenic for trimethylaminuria. This variant was observed by ICSL as part of a predisposition screen in an ostensibly healthy population.

OMIM
Classification: Pathogenic for TRIMETHYLAMINURIA. Last evaluated: 1999-01-01. Review status: no assertion criteria provided. Collection method: literature only. Allele origin: germline. Not counted in ClinVar's aggregate classification.

Literature cited by the submitters: PubMed 10338091 (cited by 5 submitters); PubMed 10479479 (cited by 3 submitters); PubMed 11191884 (cited by 4 submitters); PubMed 12678693 (cited by 3 submitters); PubMed 33831674 (cited by Myriad Genetics, Inc.); PubMed 34834137 (cited by 3 submitters); PubMed 39765628 (cited by Myriad Genetics, Inc.); PubMed 17531949 (cited by 3 submitters).